The following is an entry in ClinVar:

NM_001142800.2(EYS):c.3243+1G>A

Gene: EYS (EGF-like photoreceptor maintenance factor; minus strand). Cytogenetic location: 6q12.
Variant type: single nucleotide variant.
Coding change: c.3243+1G>A on transcript NM_001142800.2 (MANE Select); the canonical splice donor site of the intron after coding-DNA position 3243, G replaced by A.
Molecular consequence: splice donor variant.
Genome position (GRCh38, 1-based): chr6:64,821,644, C>T on the plus strand (G>A on the coding strand, the complement: EYS is on the minus strand). VCF-style: chr6-64821644-C-T. GRCh37 (hg19) VCF-style: chr6-65531537-C-T.
Other names: c.3243+1G>A (NM_001292009.2, NM_001142800.1).
Identifiers: ClinVar variation 813256 (VCV000813256.45), dbSNP rs1300490966, ClinGen allele CA364787124.
Genomic context (GRCh38, chr6:64,821,644, plus strand): 5'-TTTGATTTTTCTTTTAAATTAAATTTTTGTCATATAACTTGAATAAAATTATAAGACTTA[C>T]ATTAATTTTGATCTTACATTGTGTGCTAGTCCCATCTGCATCACATGAACATGGATATTC-3'

ClinVar aggregate classification (germline): Pathogenic/Likely pathogenic. Review status: criteria provided, multiple submitters, no conflicts (2 of 4 stars). 10 submissions from 10 submitters: Pathogenic (8); Likely pathogenic (2). Last evaluated 2025-09-16.

Conditions:
Retinitis pigmentosa 25 (RP25). Identifiers: Orphanet 791, MedGen C1864446, MONDO:0011272, OMIM 602772.
Retinal dystrophy. Also called: Inherited retinal dystrophy. Identifiers: Orphanet 71862, MedGen C0854723, MeSH D058499, MONDO:0019118, HP:0000556.
EYS-related disorder. Also called: EYS-related condition.
Retinitis pigmentosa (RP). Identifiers: Orphanet 791, MedGen C0035334, MeSH D012174, MONDO:0019200, OMIM 268000. Inheritance: Autosomal dominant, autosomal recessive and X linked inheritance.

Allele frequency attached by ClinVar (database versions not stated): gnomAD exomes 0.00001; TOPMed 0.00002; gnomAD 0.00003.
gnomAD v4.1: 18 of 1,423,440 alleles (0.0013%); highest among the groups gnomAD compares: Non-Finnish European, 0.0017%; no homozygotes.

Submissions (10):

Natera, Inc.
Classification: Pathogenic for Retinitis pigmentosa type 25. Last evaluated: 2025-09-16. Review status: criteria provided, single submitter. Criteria: Natera Variant Classification Schema (03/2026). Collection method: clinical testing. Allele origin: germline.
Comment: The c.3243+1G>A variant in EYS is a canonical splice donor site variant predicted to affect pre-mRNA splicing, which may result in an abnormal transcript and altered protein product. This variant is expected to result in nonsense mediated decay, truncation, or a dysfunctional protein product. This variant is rare in the general population with a frequency below the threshold expected for the associated phenotype(s). This variant has been observed in one or more individuals affected with the associated recessive disease, as either homozygous or compound heterozygous with a second variant (PMID: 36819107). Given the available evidence, this variant is classified as Pathogenic.

Labcorp Genetics (formerly Invitae), Labcorp
Classification: Pathogenic. Last evaluated: 2025-03-10. Review status: criteria provided, single submitter. Criteria: Invitae Variant Classification Sherloc (09022015). Collection method: clinical testing. Allele origin: germline.
Comment: This sequence change affects a donor splice site in intron 21 of the EYS gene. It is expected to disrupt RNA splicing. Variants that disrupt the donor or acceptor splice site typically lead to a loss of protein function (PMID: 16199547), and loss-of-function variants in EYS are known to be pathogenic (PMID: 18836446, 20333770). This variant is present in population databases (no rsID available, gnomAD 0.007%). Disruption of this splice site has been observed in individuals with autosomal recessive retinitis pigmentosa (PMID: 32531858, 36819107). ClinVar contains an entry for this variant (Variation ID: 813256). Algorithms developed to predict the effect of sequence changes on RNA splicing suggest that this variant may disrupt the consensus splice site. For these reasons, this variant has been classified as Pathogenic.

Blueprint Genetics
Classification: Pathogenic for EYS-related disorders. Last evaluated: 2024-08-05. Review status: criteria provided, single submitter. Criteria: ACMG Guidelines, 2015. Collection method: clinical testing. Allele origin: germline. Affected: yes. Observed: 5 variant alleles.

Baylor Genetics
Classification: Pathogenic for Retinitis pigmentosa 25. Last evaluated: 2024-01-08. Review status: criteria provided, single submitter. Criteria: ACMG Guidelines, 2015. Collection method: clinical testing. Allele origin: unknown.

Dept Of Ophthalmology, Nagoya University
Classification: Pathogenic for Retinal dystrophy. Last evaluated: 2023-10-01. Review status: criteria provided, single submitter. Criteria: Submitter's publication. Collection method: research. Allele origin: germline. Affected: yes.

Women's Health and Genetics/Laboratory Corporation of America, LabCorp
Classification: Likely pathogenic for Retinitis pigmentosa. Last evaluated: 2023-05-18. Review status: criteria provided, single submitter. Criteria: LabCorp Variant Classification Summary - May 2015. Collection method: clinical testing. Allele origin: germline.
Comment: Variant summary: EYS c.3243+1G>A is located in a canonical splice-site and is predicted to affect mRNA splicing resulting in a significantly altered protein due to either exon skipping, shortening, or inclusion of intronic material. Several computational tools predict a significant impact on normal splicing: Three predict the variant abolishes a canonical 5' splicing donor site. However, these predictions have yet to be confirmed by functional studies. The variant allele was found at a frequency of 3.2e-05 in 31360 control chromosomes (gnomAD). c.3243+1G>A has been reported in the literature in the compound heterozygous state in an individual affected with Retinitis Pigmentosa and as a homozygous genotype in an individual with an unspecified inherited eye disorder (e.g. Weisschuh_2020, Consugar_2015). These data indicate that the variant may be associated with disease. To our knowledge, no experimental evidence demonstrating an impact on protein function has been reported. The following publications have been ascertained in the context of this evaluation (PMID: 25412400, 32531858). Five clinical diagnostic laboratories have submitted clinical-significance assessments for this variant to ClinVar after 2014 and all classified the variant as pathogenic (n=2)/likely pathogenic (n=3). Based on the evidence outlined above, the variant was classified as likely pathogenic.

Laboratory for Molecular Medicine, Mass General Brigham Personalized Medicine
Classification: Likely pathogenic for Retinitis pigmentosa. Last evaluated: 2020-06-25. Review status: criteria provided, single submitter. Criteria: LMM Criteria. Collection method: clinical testing. Allele origin: germline. Inheritance: Autosomal recessive inheritance. Observed: 1 variant allele.
Comment: The c.3243+1G>A variant in EYS has not been previously reported in individuals with Retinitis pigmentosa but has been identified in 0.006% (1/15406) of European chromosomes by gnomAD. This variant occurs within the canonical splice site (+/- 1,2) and is predicted to cause altered splicing leading to an abnormal or absent protein. Loss of function of the EYS gene is an established disease mechanism in autosomal recessive Retinitis pigmentosa. In summary, although additional studies are required to fully establish its clinical significance, this variant meets criteria to be classified as likely pathogenic for autosomal recessive Retinitis pigmentosa. ACMG/AMP Criteria applied: PVS1_Strong, PM2.

Molecular Genetics Laboratory, Institute for Ophthalmic Research
Classification: Pathogenic for Retinitis pigmentosa. Last evaluated: 2020-01-09. Review status: criteria provided, single submitter. Criteria: ACMG Guidelines, 2015. Collection method: research. Allele origin: germline. Affected: yes.

CeGaT Center for Human Genetics Tuebingen
Classification: Pathogenic. Last evaluated: 2018-06-01. Review status: criteria provided, single submitter. Criteria: CeGaT Center For Human Genetics Tuebingen Variant Classification Criteria Version 2. Collection method: clinical testing. Allele origin: germline. Affected: yes. Observed: 1 variant allele.

Institute of Human Genetics, Univ. Regensburg, Univ. Regensburg
Classification: Pathogenic for Retinal dystrophy. Last evaluated: 2015-01-01. Review status: criteria provided, single submitter. Criteria: ACMG Guidelines, 2015. Collection method: clinical testing. Allele origin: germline. Affected: yes.

Literature cited by the submitters: PubMed 36819107 (cited by 3 submitters); PubMed 16199547 (cited by Labcorp Genetics (formerly Invitae), Labcorp); PubMed 18836446 (cited by Labcorp Genetics (formerly Invitae), Labcorp); PubMed 20333770 (cited by Labcorp Genetics (formerly Invitae), Labcorp); PubMed 32531858 (cited by 3 submitters); PubMed 25412400 (cited by Women's Health and Genetics/Laboratory Corporation of America, LabCorp); PubMed 31964843 (cited by Institute of Human Genetics, Univ. Regensburg, Univ. Regensburg).